The following is an entry in ClinVar:

NM_001375567.1(FOCAD):c.2522A>G (p.Tyr841Cys)

Gene: FOCAD (focadhesin; plus strand). Cytogenetic location: 9p21.3.
Variant type: single nucleotide variant.
Coding change: c.2522A>G on transcript NM_001375567.1 (MANE Select); coding-DNA position 2522, A replaced by G.
Protein change: p.Tyr841Cys; replaces tyrosine 841 with cysteine.
Molecular consequence: missense variant.
Genome position (GRCh38, 1-based): chr9:20,885,127, A>G. VCF-style: chr9-20885127-A-G. GRCh37 (hg19) VCF-style: chr9-20885126-A-G.
Other names: c.2417A>G, p.Tyr806Cys (NM_001375568.1, NM_001375570.1); c.2522A>G, p.Tyr841Cys (NM_017794.5); short protein forms Y806C, Y841C.
Identifiers: ClinVar variation 3096177 (VCV003096177.3), dbSNP rs146757351, ClinGen allele CA5007158.
Genomic context (GRCh38, chr9:20,885,127, plus strand): 5'-AAAAATAAAAATAAAATAAAGTCTATATAATTTTTTTTAAAGGTGGTATGTTATTTTGCT[A>G]TGATGTTTCCATGTATCAGAGTAAAGATGGAAAACCATTGAACAGACTGATGGCCAGCAG-3'
Protein context (NP_001362496.1, residues 831-851): PGLAGGMLFC[Tyr841Cys]DVSMYQSKDG

ClinVar aggregate classification (germline): Uncertain significance. Review status: criteria provided, multiple submitters, no conflicts (2 of 4 stars). 2 submissions from 2 submitters: Uncertain significance (2). Last evaluated 2024-03-18.

Conditions:
Inborn genetic diseases. Identifiers: MedGen C0950123, MeSH D030342.

Allele frequency attached by ClinVar (database versions not stated): gnomAD 0.00002; TOPMed 0.00004; ESP Exome Variant Server 0.00008; ExAC 0.00015; 1000 Genomes Project 30x 0.00016; 1000 Genomes Project 0.00020.
gnomAD v4.1: 30 of 1,493,658 alleles (0.002%); highest among the groups gnomAD compares: East Asian, 0.027%; no homozygotes.

Submissions (2):

Labcorp Genetics (formerly Invitae), Labcorp
Classification: Uncertain significance. Last evaluated: 2024-03-18. Review status: criteria provided, single submitter. Criteria: Invitae Variant Classification Sherloc (09022015). Collection method: clinical testing. Allele origin: germline.
Comment: This sequence change replaces tyrosine, which is neutral and polar, with cysteine, which is neutral and slightly polar, at codon 841 of the FOCAD protein (p.Tyr841Cys). This variant is present in population databases (rs146757351, gnomAD 0.06%). This variant has not been reported in the literature in individuals affected with FOCAD-related conditions. Experimental studies and prediction algorithms are not available or were not evaluated, and the functional significance of this variant is currently unknown. In summary, the available evidence is currently insufficient to determine the role of this variant in disease. Therefore, it has been classified as a Variant of Uncertain Significance.

Ambry Genetics
Classification: Uncertain significance for Inborn genetic diseases. Last evaluated: 2023-12-27. Review status: criteria provided, single submitter. Criteria: Ambry Variant Classification Scheme 2023. Collection method: clinical testing. Allele origin: germline.